The following is an entry in ClinVar:

NM_000426.4(LAMA2):c.3956G>A (p.Arg1319Gln)

Gene: LAMA2 (laminin subunit alpha 2; plus strand). Cytogenetic location: 6q22.33.
Variant type: single nucleotide variant.
Coding change: c.3956G>A on transcript NM_000426.4 (MANE Select); coding-DNA position 3956, G replaced by A.
Protein change: p.Arg1319Gln; replaces arginine 1319 with glutamine.
Molecular consequence: missense variant.
Genome position (GRCh38, 1-based): chr6:129,316,069, G>A. VCF-style: chr6-129316069-G-A. GRCh37 (hg19) VCF-style: chr6-129637214-G-A.
Other names: c.3956G>A, p.Arg1319Gln (NM_001079823.2); short protein forms R1319Q.
Identifiers: ClinVar variation 1442084 (VCV001442084.11), dbSNP rs780356271, ClinGen allele CA3993401.

ClinVar aggregate classification (germline): Conflicting classifications of pathogenicity. Review status: criteria provided, conflicting classifications (1 of 4 stars). 3 submissions from 3 submitters: Uncertain significance (2); Likely benign (1). Last evaluated 2023-10-17.

Conditions:
Merosin deficient congenital muscular dystrophy (MDC1A). Also called: Congenital Muscular Dystrophy Type 1A (MDC1A); Congenital merosin-deficient muscular dystrophy 1A. Identifiers: Orphanet 258, MedGen C1263858, MONDO:0011925, OMIM 607855.
LAMA2-related muscular dystrophy (LAMA2-RD). Also called: Laminin alpha 2-related dystrophy. Identifiers: MedGen C5679788, MONDO:0100228.

Allele frequency attached by ClinVar (database versions not stated): gnomAD 0.00001; ExAC 0.00002; TOPMed 0.00005.
gnomAD v4.1: 9 of 1,613,526 alleles (0.00056%); highest among the groups gnomAD compares: East Asian, 0.0045%; no homozygotes.

Submissions (3):

Labcorp Genetics (formerly Invitae), Labcorp
Classification: Likely benign for LAMA2-related muscular dystrophy. Last evaluated: 2023-10-17. Review status: criteria provided, single submitter. Criteria: Invitae Variant Classification Sherloc (09022015). Collection method: clinical testing. Allele origin: germline.

Revvity Omics, Revvity
Classification: Uncertain significance. Last evaluated: 2019-06-26. Review status: criteria provided, single submitter. Criteria: ACMG Guidelines, 2015. Collection method: clinical testing. Allele origin: germline.

Neuberg Centre For Genomic Medicine, NCGM
Classification: Uncertain significance for Merosin deficient congenital muscular dystrophy. Review status: criteria provided, single submitter. Criteria: ACMG Guidelines, 2015. Collection method: clinical testing. Allele origin: germline. Inheritance: Autosomal recessive inheritance. Affected: yes.
Comment: The missense variant c.3956G>A p.Arg1319Gln in the LAMA2 gene has not been reported previously as a pathogenic variant nor as a benign variant, to our knowledge. This variant is reported with the allele frequency 0.001% in the gnomAD Exomes and novel not in any individuals in 1000 Genomes. This variant has been reported to the ClinVar database as Uncertain Significance/ Likely Benign. However, no details are available for independent assessment. The amino acid Arginine acid at position 1319 is changed to a Glutamine changing protein sequence and it might alter its composition and physico- chemical properties. The amino acid change p.Arg1319Gln in LAMA2 is predicted as conserved by GERP++ and PhyloP across 100 vertebrates. For these reasons, this variant has been classified as Uncertain Significance.